The following is an entry in ClinVar:

ClinVar aggregate classification (germline): Likely benign. Review status: reviewed by expert panel (3 of 4 stars). 3 submissions from 3 submitters: Likely benign (1). 2 of the submissions do not count toward it. Last evaluated 2025-12-19.

Conditions:
Immunodeficiency 14 (IMD14A). Also called: p110-DELTA-ACTIVATING MUTATION CAUSING SENESCENT T CELLS, LYMPHADENOPATHY, AND IMMUNODEFICIENCY; Activated PI3K Delta Syndrome Type 1 (APDS1); ACTIVATED PI3K-DELTA SYNDROME 1; IMMUNODEFICIENCY 14A WITH LYMPHOPROLIFERATION, AUTOSOMAL DOMINANT. Identifiers: Orphanet 397596, Orphanet 693661, MedGen C5907821, MONDO:0014222, OMIM 615513.

Allele frequency attached by ClinVar (database versions not stated): gnomAD 0.00004; gnomAD exomes 0.00001; TOPMed 0.00001; ExAC 0.00002.
gnomAD v4.1: 21 of 1,613,872 alleles (0.0013%); highest among the groups gnomAD compares: African/African-American, 0.0067%; no homozygotes.

Submissions (3):

ClinGen Primary Immune Regulatory Disorders Variant Curation Expert Panel, ClinGen
Classification: Likely benign for Immunodeficiency 14. Last evaluated: 2025-12-19. Review status: reviewed by expert panel. Criteria: ClinGen AbDef ACMG Specifications PIK3CD V1.0.0. Collection method: curation. Allele origin: germline. Inheritance: Autosomal dominant inheritance.
Comment: NM_005026.5(PIK3CD):c.899G>A (p.Arg300His) is a missense variant that causes substitution of arginine by histidine at amino acid 300. This variant is present in gnomAD v4.1.0 at a total combined allele frequency of 0.00001301, with 21 alleles / 1,613,872 total alleles across all populations of gnomAD, which is higher than the ClinGen Antibody Deficiencies VCEP PM2_Supporting threshold of <0.00000132. This variant is present in gnomAD v.4.1.0 at a GrpMax flitering allele frequency of 0.00002549, with 5 alleles / 74,936 total alleles in the African / African American population, which is lower than the BS1 threshold of >0.000316, so no population code can be applied. The computational predictor REVEL gives a score of 0.119, which is below the ClinGen Antibody Deficiencies VCEP threshold of <0.290 and predicts a non-damaging effect on PIK3CD function. The computational predictor CADD gives a PHRED score of 19.68, which is below the ClinGen Antibody Deficiencies VCEP threshold of <22.7 and predicts a non-deleterious effect on PIK3CD function. The two predictors agree on a non-damaging effect (BP4). In summary, this variant meets the criteria to be classified as likely benign for autosomal dominant immunodeficiency 14 based on the ACMG/AMP criteria applied, as specified by the ClinGen Antibody Deficiencies VCEP: BP4. (VCEP specifications version 1.0.0).

Labcorp Genetics (formerly Invitae), Labcorp
Classification: Uncertain significance for Activated PI3K-delta syndrome. Last evaluated: 2026-01-07. Review status: criteria provided, single submitter. Criteria: Invitae Variant Classification Sherloc (09022015). Collection method: clinical testing. Allele origin: germline. Not counted in ClinVar's aggregate classification.
Comment: This sequence change replaces arginine, which is basic and polar, with histidine, which is basic and polar, at codon 300 of the PIK3CD protein (p.Arg300His). This variant is present in population databases (rs780386111, gnomAD 0.004%). This variant has not been reported in the literature in individuals affected with PIK3CD-related conditions. ClinVar contains an entry for this variant (Variation ID: 834882). Invitae Evidence Modeling of protein sequence and biophysical properties (such as structural, functional, and spatial information, amino acid conservation, physicochemical variation, residue mobility, and thermodynamic stability) indicates that this missense variant is not expected to disrupt PIK3CD protein function with a negative predictive value of 80%. In summary, the available evidence is currently insufficient to determine the role of this variant in disease. Therefore, it has been classified as a Variant of Uncertain Significance.

Revvity Omics, Revvity
Classification: Uncertain significance. Last evaluated: 2022-02-11. Review status: criteria provided, single submitter. Criteria: ACMG Guidelines, 2015. Collection method: clinical testing. Allele origin: germline. Not counted in ClinVar's aggregate classification.

NM_005026.5(PIK3CD):c.899G>A (p.Arg300His)

Gene: PIK3CD (phosphatidylinositol-4,5-bisphosphate 3-kinase catalytic subunit delta; plus strand). Cytogenetic location: 1p36.22.
Variant type: single nucleotide variant.
Coding change: c.899G>A on transcript NM_005026.5 (MANE Select); coding-DNA position 899, G replaced by A.
Protein change: p.Arg300His; replaces arginine 300 with histidine.
Molecular consequence: missense variant.
Genome position (GRCh38, 1-based): chr1:9,717,077, G>A. VCF-style: chr1-9717077-G-A. GRCh37 (hg19) VCF-style: chr1-9777135-G-A.
Other names: NM_005026.5(PIK3CD):c.899G>A; p.Arg300His; c.899G>A, p.Arg300His (NM_001350234.2); c.812G>A, p.Arg271His (NM_001350235.1); short protein forms R271H, R300H.
Identifiers: ClinVar variation 834882 (VCV000834882.12), dbSNP rs780386111, ClinGen allele CA577010.